The following is an entry in ClinVar:

NM_032409.3(PINK1):c.1053_1055delinsT (p.His352fs)

Genes: PINK1 (PTEN induced kinase 1; plus strand), PINK1-AS (PINK1 antisense RNA; minus strand). Cytogenetic location: 1p36.12.
Variant type: Indel.
Coding change: c.1053_1055delinsT on transcript NM_032409.3 (MANE Select); coding-DNA positions 1053 to 1055, CCA replaced by T.
Protein change: p.His352fs; shifts the reading frame from histidine 352.
Molecular consequence: frameshift variant. On other transcripts: non-coding transcript variant (1).
Genome position (GRCh38, 1-based): chr1:20,645,653-20,645,655, CCA replaced by T. VCF-style: chr1-20645653-CCA-T. GRCh37 (hg19) VCF-style: chr1-20972146-CCA-T.
Other names: c.1053_1055delCCAinsT (NM_032409.3); short protein forms H352fs.
Identifiers: ClinVar variation 3391279 (VCV003391279.1).

ClinVar aggregate classification (germline): Likely pathogenic (1 of 4 stars; one submission).

Conditions:
Autosomal recessive early-onset Parkinson disease 6 (PARK6). Also called: PARKINSON DISEASE 6, MODIFIER OF; PINK1-Related Parkinson Disease; PARKINSON DISEASE 6, EARLY-ONSET; PINK1 Type of Young-Onset Parkinson Disease. Identifiers: Orphanet 2828, MedGen C1853833, MONDO:0011613, OMIM 605909.

Submission:

Neuberg Centre For Genomic Medicine, NCGM
Classification: Likely pathogenic for Autosomal recessive early-onset Parkinson disease 6. Review status: criteria provided, single submitter. Criteria: ACMG Guidelines, 2015. Collection method: clinical testing. Allele origin: germline. Inheritance: Autosomal recessive inheritance. Affected: yes.
Comment: The observed frameshift variant c.1053_1055delCCAinsT p.His352SerfsTer39 in the PINK1 gene has not been reported previously as a pathogenic variant nor as a benign variant, to our knowledge. This variant is absent in the gnomAD Exomes. This variant causes a frameshift starting with codon Histidine 352, changes this amino acid to Serine residue, and creates a premature Stop codon at position 39 of the new reading frame, denoted p.His352SerfsTer39. This variant is predicted to cause loss of normal protein function through protein truncation. Loss of function variants have been previously reported to be disease causing Li JY, et al., 2021. For these reasons, this variant has been classified as Likely Pathogenic.